The following is an entry in ClinVar:

ClinVar aggregate classification (germline): Conflicting classifications of pathogenicity. Review status: criteria provided, conflicting classifications (1 of 4 stars). 3 submissions from 3 submitters: Uncertain significance (1); Likely benign (1). 1 of the submissions does not count toward it. Last evaluated 2022-06-27.

Conditions:
Nemaline myopathy 2 (NEM2). Also called: Nemaline myopathy 2, autosomal recessive. Identifiers: MedGen C1850569, MONDO:0009725, OMIM 256030.
Nemaline Myopathy, Autosomal Dominant. Identifiers: MedGen C0751656.

Allele frequency attached by ClinVar (database versions not stated): ExAC 0.00004; gnomAD 0.00006 and 0.00008; gnomAD exomes 0.00006 and 0.00012; TOPMed 0.00006; 1000 Genomes Project 0.00020; 1000 Genomes Project 30x 0.00047.
gnomAD v4.1: 179 of 1,606,722 alleles (0.011%); highest among the groups gnomAD compares: East Asian, 0.033%; no homozygotes.

Submissions (3):

Labcorp Genetics (formerly Invitae), Labcorp
Classification: Uncertain significance for Nemaline myopathy 2. Last evaluated: 2022-06-27. Review status: criteria provided, single submitter. Criteria: Invitae Variant Classification Sherloc (09022015). Collection method: clinical testing. Allele origin: germline.
Comment: This sequence change affects codon 805 of the NEB mRNA. It is a 'silent' change, meaning that it does not change the encoded amino acid sequence of the NEB protein. It affects a nucleotide within the consensus splice site. This variant is present in population databases (rs566989836, gnomAD 0.06%). This variant has not been reported in the literature in individuals affected with NEB-related conditions. ClinVar contains an entry for this variant (Variation ID: 390983). Algorithms developed to predict the effect of sequence changes on RNA splicing suggest that this variant is not likely to affect RNA splicing. In summary, the available evidence is currently insufficient to determine the role of this variant in disease. Therefore, it has been classified as a Variant of Uncertain Significance.

GeneDx
Classification: Likely benign. Last evaluated: 2016-11-16. Review status: criteria provided, single submitter. Criteria: GeneDx Variant Classification (06012015). Collection method: clinical testing. Allele origin: germline. Affected: yes.
Comment: This variant is considered likely benign or benign based on one or more of the following criteria: it is a conservative change, it occurs at a poorly conserved position in the protein, it is predicted to be benign by multiple in silico algorithms, and/or has population frequency not consistent with disease.

Natera, Inc.
Classification: Likely benign for Nemaline myopathy type 2. Last evaluated: 2020-04-27. Review status: no assertion criteria provided. Collection method: clinical testing. Allele origin: germline. Not counted in ClinVar's aggregate classification.

NM_001164508.2(NEB):c.2415T>C (p.Asp805=)

Gene: NEB (nebulin; minus strand). Cytogenetic location: 2q23.3.
Variant type: single nucleotide variant.
Coding change: c.2415T>C on transcript NM_001164508.2 (MANE Select); coding-DNA position 2415, T replaced by C.
Protein change: p.Asp805=; no amino-acid change (aspartic acid 805 retained).
Molecular consequence: synonymous variant.
Genome position (GRCh38, 1-based): chr2:151,688,292, A>G on the plus strand (T>C on the coding strand, the complement: NEB is on the minus strand). VCF-style: chr2-151688292-A-G. GRCh37 (hg19) VCF-style: chr2-152544806-A-G.
Other names: c.2415T>C, p.Asp805= (NM_001164507.2, NM_001271208.2, NM_004543.5).
Identifiers: ClinVar variation 390983 (VCV000390983.7), dbSNP rs566989836, ClinGen allele CA1911237.